The following is an entry in ClinVar:

NM_014974.3(DIP2C):c.3574T>G (p.Cys1192Gly)

Gene: DIP2C (DIP2 acetate--CoA ligase C (putative); minus strand). Cytogenetic location: 10p15.3.
Variant type: single nucleotide variant.
Coding change: c.3574T>G on transcript NM_014974.3 (MANE Select); coding-DNA position 3574, T replaced by G.
Protein change: p.Cys1192Gly; replaces cysteine 1192 with glycine.
Molecular consequence: missense variant.
Genome position (GRCh38, 1-based): chr10:341,209, A>C on the plus strand (T>G on the coding strand, the complement: DIP2C is on the minus strand). VCF-style: chr10-341209-A-C. GRCh37 (hg19) VCF-style: chr10-387149-A-C.
Other names: short protein forms C1192G.
Identifiers: ClinVar variation 4728956 (VCV004728956.1).

ClinVar aggregate classification (germline): Uncertain significance (1 of 4 stars; one submission).

Submission:

Labcorp Genetics (formerly Invitae), Labcorp
Classification: Uncertain significance. Last evaluated: 2025-10-24. Review status: criteria provided, single submitter. Criteria: Invitae Variant Classification Sherloc (09022015). Collection method: clinical testing. Allele origin: germline.
Comment: This sequence change replaces cysteine, which is neutral and slightly polar, with glycine, which is neutral and non-polar, at codon 1192 of the DIP2C protein (p.Cys1192Gly). This variant is not present in population databases (gnomAD no frequency). This variant has not been reported in the literature in individuals affected with DIP2C-related conditions. An algorithm developed to predict the effect of missense changes on protein structure and function (PolyPhen-2) suggests that this variant is likely to be disruptive. In summary, the available evidence is currently insufficient to determine the role of this variant in disease. Therefore, it has been classified as a Variant of Uncertain Significance.